The following is an entry in ClinVar:

ClinVar aggregate classification (germline): Uncertain significance. Review status: criteria provided, multiple submitters, no conflicts (2 of 4 stars). 3 submissions from 3 submitters: Uncertain significance (3). Last evaluated 2025-12-23.

Conditions:
LRP5-related disorder. Also called: LRP5-related condition.
Osteoporosis with pseudoglioma (OPPG). Also called: osteoporosis-pseudoglioma syndrome. Identifiers: Orphanet 2788, MedGen C0432252, MONDO:0009820, OMIM 259770.
Polycystic liver disease 4 with or without kidney cysts. Identifiers: MedGen C4693479, MONDO:0044327, OMIM 617875.
Autosomal dominant osteopetrosis 1 (OPTA1). Also called: OSTEOPETROSIS, AUTOSOMAL DOMINANT, TYPE I. Identifiers: Orphanet 2783, MedGen C1843330, MONDO:0011877, OMIM 607634.
Exudative vitreoretinopathy 4 (EVR4). Identifiers: Orphanet 891, MedGen C1866176, MONDO:0011151, OMIM 601813.
Worth disease. Also called: Autosomal dominant osteosclerosis, Worth type; ENDOSTEAL HYPEROSTOSIS, AUTOSOMAL DOMINANT; OSTEOSCLEROSIS, AUTOSOMAL DOMINANT. Identifiers: Orphanet 2790, MedGen C0432273, MONDO:0007764, OMIM 144750.
Bone mineral density quantitative trait locus 1 (BMND1). Identifiers: MedGen C1866079, OMIM 601884.

Allele frequency attached by ClinVar (database versions not stated): gnomAD 0.00001; gnomAD exomes 0.00001 and 0.00005; ExAC 0.00003; TOPMed 0.00003.
gnomAD v4.1: 21 of 1,609,168 alleles (0.0013%); highest among the groups gnomAD compares: Admixed American, 0.023%; no homozygotes.

Submissions (3):

Labcorp Genetics (formerly Invitae), Labcorp
Classification: Uncertain significance. Last evaluated: 2025-12-23. Review status: criteria provided, single submitter. Criteria: Invitae Variant Classification Sherloc (09022015). Collection method: clinical testing. Allele origin: germline.
Comment: This sequence change replaces glycine, which is neutral and non-polar, with serine, which is neutral and polar, at codon 922 of the LRP5 protein (p.Gly922Ser). This variant is present in population databases (rs773895575, gnomAD 0.03%). This variant has not been reported in the literature in individuals affected with LRP5-related conditions. ClinVar contains an entry for this variant (Variation ID: 1023189). Invitae Evidence Modeling of protein sequence and biophysical properties (such as structural, functional, and spatial information, amino acid conservation, physicochemical variation, residue mobility, and thermodynamic stability) indicates that this missense variant is not expected to disrupt LRP5 protein function with a negative predictive value of 95%. In summary, the available evidence is currently insufficient to determine the role of this variant in disease. Therefore, it has been classified as a Variant of Uncertain Significance.

PreventionGenetics, part of Exact Sciences
Classification: Uncertain significance for LRP5-related condition. Last evaluated: 2025-09-18. Review status: criteria provided, single submitter. Criteria: ACMG Guidelines, 2015. Collection method: clinical testing. Allele origin: germline.
Comment: The LRP5 c.2764G>A variant is predicted to result in the amino acid substitution p.Gly922Ser. To our knowledge, this variant has not been reported in the literature. This variant is reported in 0.029% of alleles in individuals of Latino descent in gnomAD. At this time, the clinical significance of this variant is uncertain due to the absence of conclusive functional and genetic evidence.

Fulgent Genetics
Classification: Uncertain significance for Worth disease; Osteoporosis with pseudoglioma; Exudative vitreoretinopathy 4; Bone mineral density quantitative trait locus 1; Autosomal dominant osteopetrosis 1; Polycystic liver disease 4 with or without kidney cysts. Last evaluated: 2024-05-22. Review status: criteria provided, single submitter. Criteria: ACMG Guidelines, 2015. Collection method: clinical testing. Allele origin: germline.

NM_002335.4(LRP5):c.2764G>A (p.Gly922Ser)

Gene: LRP5 (LDL receptor related protein 5; plus strand). Cytogenetic location: 11q13.2.
Variant type: single nucleotide variant.
Coding change: c.2764G>A on transcript NM_002335.4 (MANE Select); coding-DNA position 2764, G replaced by A.
Protein change: p.Gly922Ser; replaces glycine 922 with serine.
Molecular consequence: missense variant.
Genome position (GRCh38, 1-based): chr11:68,413,949, G>A. VCF-style: chr11-68413949-G-A. GRCh37 (hg19) VCF-style: chr11-68181417-G-A.
Other names: c.2764G>A (NM_002335.3); c.1021G>A, p.Gly341Ser (NM_001291902.2); short protein forms G341S, G922S.
Identifiers: ClinVar variation 1023189 (VCV001023189.12), dbSNP rs773895575, ClinGen allele CA6149727.
Genomic context (GRCh38, chr11:68,413,949, plus strand): 5'-GGCCTCAATGACTGTATGCACAACAACGGGCAGTGTGGGCAGCTGTGCCTTGCCATCCCC[G>A]GCGGCCACCGCTGCGGCTGCGCCTCACACTACACCCTGGACCCCAGCAGCCGCAACTGCA-3'
Protein context (NP_002326.2, residues 912-932): QCGQLCLAIP[Gly922Ser]GHRCGCASHY